The following is an entry in ClinVar:

ClinVar aggregate classification (germline): Uncertain significance (1 of 4 stars; one submission).

gnomAD v4.1: 1 of 1,613,834 alleles (0.000062%); highest among the groups gnomAD compares: Non-Finnish European, 0.000085%; no homozygotes.

Submission:

Labcorp Genetics (formerly Invitae), Labcorp
Classification: Uncertain significance. Last evaluated: 2024-11-27. Review status: criteria provided, single submitter. Criteria: Invitae Variant Classification Sherloc (09022015). Collection method: clinical testing. Allele origin: germline.
Comment: This sequence change replaces serine, which is neutral and polar, with cysteine, which is neutral and slightly polar, at codon 36 of the SLC25A32 protein (p.Ser36Cys). This variant is not present in population databases (gnomAD no frequency). This variant has not been reported in the literature in individuals affected with SLC25A32-related conditions. Invitae Evidence Modeling of protein sequence and biophysical properties (such as structural, functional, and spatial information, amino acid conservation, physicochemical variation, residue mobility, and thermodynamic stability) indicates that this missense variant is expected to disrupt SLC25A32 protein function with a positive predictive value of 80%. In summary, the available evidence is currently insufficient to determine the role of this variant in disease. Therefore, it has been classified as a Variant of Uncertain Significance.

NM_030780.5(SLC25A32):c.107C>G (p.Ser36Cys)

Gene: SLC25A32 (solute carrier family 25 member 32; minus strand). Cytogenetic location: 8q22.3.
Variant type: single nucleotide variant.
Coding change: c.107C>G on transcript NM_030780.5 (MANE Select); coding-DNA position 107, C replaced by G.
Protein change: p.Ser36Cys; replaces serine 36 with cysteine.
Molecular consequence: missense variant. On other transcripts: non-coding transcript variant (2).
Genome position (GRCh38, 1-based): chr8:103,414,831, G>C on the plus strand (C>G on the coding strand, the complement: SLC25A32 is on the minus strand). VCF-style: chr8-103414831-G-C. GRCh37 (hg19) VCF-style: chr8-104427059-G-C.
Other names: short protein forms S36C.
Identifiers: ClinVar variation 3686646 (VCV003686646.2).